The following is an entry in ClinVar:

ClinVar aggregate classification (germline): Uncertain significance (1 of 4 stars; one submission).

Conditions:
Inborn genetic diseases. Identifiers: MedGen C0950123, MeSH D030342.

Submission:

Ambry Genetics
Classification: Uncertain significance for Inborn genetic diseases. Last evaluated: 2024-08-28. Review status: criteria provided, single submitter. Criteria: Ambry Variant Classification Scheme 2023. Collection method: clinical testing. Allele origin: germline.
Comment: The c.2798C>T (p.T933I) alteration is located in exon 17 (coding exon 17) of the POLR2A gene. This alteration results from a C to T substitution at nucleotide position 2798, causing the threonine (T) at amino acid position 933 to be replaced by an isoleucine (I). This variant was not reported in population-based cohorts in the Genome Aggregation Database (gnomAD). This amino acid position is highly conserved in available vertebrate species. The in silico prediction for this alteration is inconclusive. Based on insufficient or conflicting evidence, the clinical significance of this alteration remains unclear.

NM_000937.5(POLR2A):c.2798C>T (p.Thr933Ile)

Gene: POLR2A (RNA polymerase II subunit A; plus strand). Cytogenetic location: 17p13.1.
Variant type: single nucleotide variant.
Coding change: c.2798C>T on transcript NM_000937.5 (MANE Select); coding-DNA position 2798, C replaced by T.
Protein change: p.Thr933Ile; replaces threonine 933 with isoleucine.
Molecular consequence: missense variant.
Genome position (GRCh38, 1-based): chr17:7,503,162, C>T. VCF-style: chr17-7503162-C-T. GRCh37 (hg19) VCF-style: chr17-7406481-C-T.
Other names: short protein forms T933I.
Identifiers: ClinVar variation 3422769 (VCV003422769.1).